The following is an entry in ClinVar:

NM_005045.4(RELN):c.2945T>C (p.Ile982Thr)

Gene: RELN (reelin; minus strand). Cytogenetic location: 7q22.1.
Variant type: single nucleotide variant.
Coding change: c.2945T>C on transcript NM_005045.4 (MANE Select); coding-DNA position 2945, T replaced by C.
Protein change: p.Ile982Thr; replaces isoleucine 982 with threonine.
Molecular consequence: missense variant.
Genome position (GRCh38, 1-based): chr7:103,610,758, A>G on the plus strand (T>C on the coding strand, the complement: RELN is on the minus strand). VCF-style: chr7-103610758-A-G. GRCh37 (hg19) VCF-style: chr7-103251205-A-G.
Other names: c.2945T>C, p.Ile982Thr (NM_173054.3); short protein forms I982T.
Identifiers: ClinVar variation 2636954 (VCV002636954.1), dbSNP rs2484750801, ClinGen allele CA368765839.

ClinVar aggregate classification (germline): Uncertain significance (1 of 4 stars; one submission).

Conditions:
RELN-related disorder. Also called: RELN-related condition.

Submission:

PreventionGenetics, part of Exact Sciences
Classification: Uncertain significance for RELN-related condition. Last evaluated: 2022-09-24. Review status: criteria provided, single submitter. Criteria: ACMG Guidelines, 2015. Collection method: clinical testing. Allele origin: germline.
Comment: The RELN c.2945T>C variant is predicted to result in the amino acid substitution p.Ile982Thr. To our knowledge, this variant has not been reported in the literature or in a large population database, indicating this variant is rare. At this time, the clinical significance of this variant is uncertain due to the absence of conclusive functional and genetic evidence.